The following is an entry in ClinVar:

NM_176787.5(PIGN):c.1732del (p.Trp578fs)

Gene: PIGN (phosphatidylinositol glycan anchor biosynthesis class N; minus strand). Cytogenetic location: 18q21.33.
Variant type: Deletion.
Coding change: c.1732del on transcript NM_176787.5 (MANE Select); coding-DNA position 1732, one base deleted (T; older notation c.1732delT).
Protein change: p.Trp578fs; shifts the reading frame from tryptophan 578.
Molecular consequence: frameshift variant.
Genome position (GRCh38, 1-based): chr18:62,106,824, A deleted on the plus strand (T on the coding strand, the reverse complement: PIGN is on the minus strand); the first of 2 consecutive A bases (chr18:62,106,824-62,106,825); deleting either gives the same sequence. VCF-style (leftmost placement, unchanged base first): chr18-62106823-CA-C. GRCh37 (hg19) VCF-style: chr18-59774056-CA-C.
Other names: c.1732del, p.Trp578fs (NM_012327.6); short protein forms W578fs.
Identifiers: ClinVar variation 2855704 (VCV002855704.3), dbSNP rs2512957688, ClinGen allele CA2739276289.
Genomic context (GRCh38, chr18:62,106,823, plus strand): 5'-TCCTATGTCAAAATGAGTACTCATACCTTTGCTCGAGTCCACAGCCGAGTGAGAAATGGC[CA>C]AGCTGCAAAGGCAGTAAGTCCAGCGGTAAGCATATAGCGGTAGAAAAAACTGAGAACCTA-3'

ClinVar aggregate classification (germline): Pathogenic (1 of 4 stars; one submission).

Conditions:
Multiple congenital anomalies-hypotonia-seizures syndrome 1 (MCAHS1). Also called: PIGN-CDG; Congenital disorder of glycosylation due to PIGN deficiency; GLYCOSYLPHOSPHATIDYLINOSITOL BIOSYNTHESIS DEFECT 3. Identifiers: Orphanet 280633, MedGen C3279775, MONDO:0013563, OMIM 614080.

Submission:

Labcorp Genetics (formerly Invitae), Labcorp
Classification: Pathogenic for Multiple congenital anomalies-hypotonia-seizures syndrome 1. Last evaluated: 2023-04-12. Review status: criteria provided, single submitter. Criteria: Invitae Variant Classification Sherloc (09022015). Collection method: clinical testing. Allele origin: germline.
Comment: For these reasons, this variant has been classified as Pathogenic. This variant has not been reported in the literature in individuals affected with PIGN-related conditions. This variant is not present in population databases (gnomAD no frequency). This sequence change creates a premature translational stop signal (p.Trp578Glyfs*13) in the PIGN gene. It is expected to result in an absent or disrupted protein product. Loss-of-function variants in PIGN are known to be pathogenic (PMID: 24253414, 27038415).

Literature cited by the submitters: PubMed 24253414; PubMed 27038415.